The following is an entry in ClinVar:

ClinVar aggregate classification (germline): Uncertain significance (1 of 4 stars; one submission).

Submission:

GeneDx
Classification: Uncertain significance. Last evaluated: 2024-06-03. Review status: criteria provided, single submitter. Criteria: GeneDx Variant Classification Process June 2021. Collection method: clinical testing. Allele origin: germline. Affected: yes.
Comment: Not observed at significant frequency in large population cohorts (gnomAD); In silico analysis supports that this missense variant has a deleterious effect on protein structure/function; Has not been previously published as pathogenic or benign to our knowledge

NM_006035.4(CDC42BPB):c.1933A>G (p.Lys645Glu)

Gene: CDC42BPB (CDC42 binding protein kinase beta; minus strand). Cytogenetic location: 14q32.32.
Variant type: single nucleotide variant.
Coding change: c.1933A>G on transcript NM_006035.4 (MANE Select); coding-DNA position 1933, A replaced by G.
Protein change: p.Lys645Glu; replaces lysine 645 with glutamic acid.
Molecular consequence: missense variant.
Genome position (GRCh38, 1-based): chr14:102,970,213, T>C on the plus strand (A>G on the coding strand, the complement: CDC42BPB is on the minus strand). VCF-style: chr14-102970213-T-C. GRCh37 (hg19) VCF-style: chr14-103436550-T-C.
Other names: c.1933A>G, p.Lys645Glu (NM_001411054.1); short protein forms K645E.
Identifiers: ClinVar variation 3384507 (VCV003384507.1).
Genomic context (GRCh38, chr14:102,970,213, plus strand): 5'-TGAGGGCCTCCAGCTCGCTTTCCATTTGCTTGCAGAAGTTCTCGCTGTGCTCACGAAGCT[T>C]GCGCTCCTTGGAGGCCTCAGCAACAGCATCATCAAGCTGAGCTTCCAGCTACAAAAGGAA-3'
Protein context (NP_006026.3, residues 635-655): DAVAEASKER[Lys645Glu]LREHSENFCK